The following is an entry in ClinVar:

NM_001846.4(COL4A2):c.3453A>G (p.Thr1151=)

Gene: COL4A2 (collagen type IV alpha 2 chain; plus strand). Cytogenetic location: 13q34.
Variant type: single nucleotide variant.
Coding change: c.3453A>G on transcript NM_001846.4 (MANE Select); coding-DNA position 3453, A replaced by G.
Protein change: p.Thr1151=; no amino-acid change (threonine 1151 retained).
Molecular consequence: synonymous variant.
Genome position (GRCh38, 1-based): chr13:110,491,339, A>G. VCF-style: chr13-110491339-A-G. GRCh37 (hg19) VCF-style: chr13-111143686-A-G.
Identifiers: ClinVar variation 4693857 (VCV004693857.1).

ClinVar aggregate classification (germline): Uncertain significance (1 of 4 stars; one submission).

gnomAD v4.1: 19 of 1,574,694 alleles (0.0012%); highest among the groups gnomAD compares: Non-Finnish European, 0.0016%; no homozygotes.

Submission:

Labcorp Genetics (formerly Invitae), Labcorp
Classification: Uncertain significance. Last evaluated: 2025-10-05. Review status: criteria provided, single submitter. Criteria: Invitae Variant Classification Sherloc (09022015). Collection method: clinical testing. Allele origin: germline.
Comment: This sequence change affects codon 1151 of the COL4A2 mRNA. It is a 'silent' change, meaning that it does not change the encoded amino acid sequence of the COL4A2 protein. It affects a nucleotide within the consensus splice site. This variant is not present in population databases (gnomAD no frequency). This variant has not been reported in the literature in individuals affected with COL4A2-related conditions. Algorithms developed to predict the effect of sequence changes on RNA splicing suggest that this variant may disrupt the consensus splice site. In summary, the available evidence is currently insufficient to determine the role of this variant in disease. Therefore, it has been classified as a Variant of Uncertain Significance.